The following is an entry in ClinVar:

ClinVar aggregate classification (germline): Uncertain significance (1 of 4 stars; one submission).

Allele frequency attached by ClinVar (database versions not stated): gnomAD 0.00001; gnomAD exomes 0.00001; TOPMed 0.00001; ExAC 0.00003.
gnomAD v4.1: 17 of 1,612,768 alleles (0.0011%); highest among the groups gnomAD compares: Non-Finnish European, 0.0014%; no homozygotes.

Submission:

Labcorp Genetics (formerly Invitae), Labcorp
Classification: Uncertain significance. Last evaluated: 2025-02-03. Review status: criteria provided, single submitter. Criteria: Invitae Variant Classification Sherloc (09022015). Collection method: clinical testing. Allele origin: germline.
Comment: This sequence change replaces isoleucine, which is neutral and non-polar, with valine, which is neutral and non-polar, at codon 397 of the NAA15 protein (p.Ile397Val). This variant is present in population databases (rs760212790, gnomAD 0.005%). This variant has not been reported in the literature in individuals affected with NAA15-related conditions. ClinVar contains an entry for this variant (Variation ID: 2914422). An algorithm developed to predict the effect of missense changes on protein structure and function (PolyPhen-2) suggests that this variant is likely to be disruptive. In summary, the available evidence is currently insufficient to determine the role of this variant in disease. Therefore, it has been classified as a Variant of Uncertain Significance.

NM_057175.5(NAA15):c.1189A>G (p.Ile397Val)

Gene: NAA15 (N-alpha-acetyltransferase 15, NatA auxiliary subunit; plus strand). Cytogenetic location: 4q31.1.
Variant type: single nucleotide variant.
Coding change: c.1189A>G on transcript NM_057175.5 (MANE Select); coding-DNA position 1189, A replaced by G.
Protein change: p.Ile397Val; replaces isoleucine 397 with valine.
Molecular consequence: missense variant.
Genome position (GRCh38, 1-based): chr4:139,357,487, A>G. VCF-style: chr4-139357487-A-G. GRCh37 (hg19) VCF-style: chr4-140278641-A-G.
Other names: c.1189A>G, p.Ile397Val (NM_001410842.1, NM_025085.2); short protein forms I397V.
Identifiers: ClinVar variation 2914422 (VCV002914422.3), dbSNP rs760212790, ClinGen allele CA3083581.